The following is an entry in ClinVar:

NM_022725.4(FANCF):c.698_699del (p.Gly233fs)

Gene: FANCF (FA complementation group F; minus strand). Cytogenetic location: 11p14.3.
Variant type: Deletion.
Coding change: c.698_699del on transcript NM_022725.4 (MANE Select); coding-DNA positions 698 to 699, 2 bases deleted (GG; older notation c.698_699delGG).
Protein change: p.Gly233fs; shifts the reading frame from glycine 233.
Molecular consequence: frameshift variant.
Genome position (GRCh38, 1-based): chr11:22,625,112-22,625,113, CC deleted on the plus strand (GG on the coding strand, the reverse complement: FANCF is on the minus strand); deleting any 2 consecutive bases within chr11:22,625,112-22,625,115 gives the same sequence; the c. name uses the placement nearest the transcript's 3' end. VCF-style (leftmost placement, unchanged base first): chr11-22625111-TCC-T. GRCh37 (hg19) VCF-style: chr11-22646657-TCC-T.
Other names: c.696_697delGG, p.Gly233Glufs (NM_022725.3); short protein forms G233fs.
Identifiers: ClinVar variation 3340333 (VCV003340333.5).

ClinVar aggregate classification (germline): Pathogenic/Likely pathogenic. Review status: criteria provided, multiple submitters, no conflicts (2 of 4 stars). 4 submissions from 4 submitters: Pathogenic (2); Likely pathogenic (2). Last evaluated 2025-04-17.

Conditions:
Fanconi anemia (FA). Also called: Fanconi's anemia. Identifiers: Orphanet 84, MedGen C0015625, MeSH D005199, MONDO:0019391.
Fanconi anemia complementation group F. Also called: FANCF-Related Fanconi Anemia. Identifiers: Orphanet 84, MedGen C3469526, MONDO:0011325, OMIM 603467.
FANCF-related disorder. Also called: FANCF-related condition.

Submissions (4):

Labcorp Genetics (formerly Invitae), Labcorp
Classification: Pathogenic for Fanconi anemia. Last evaluated: 2025-04-17. Review status: criteria provided, single submitter. Criteria: Invitae Variant Classification Sherloc (09022015). Collection method: clinical testing. Allele origin: germline.
Comment: This sequence change creates a premature translational stop signal (p.Gly233Glufs*32) in the FANCF gene. While this is not anticipated to result in nonsense mediated decay, it is expected to disrupt the last 142 amino acid(s) of the FANCF protein. This variant is not present in population databases (gnomAD no frequency). This premature translational stop signal has been observed in individual(s) with Fanconi anemia (PMID: 27714961). In at least one individual the data is consistent with being in trans (on the opposite chromosome) from a pathogenic variant. ClinVar contains an entry for this variant (Variation ID: 3340333). This variant disrupts the N-terminal domain of the FANCF protein, which stabilizes the interaction with FANCA and FANCG, and is also essential for the binding of the FANCC/FANCE subcomplex (PMID: 15262960). While functional studies have not been performed to directly test the effect of this variant on FANCF protein function, this suggests that disruption of this region of the protein is causative of disease. For these reasons, this variant has been classified as Pathogenic.

Fulgent Genetics
Classification: Pathogenic for Fanconi anemia complementation group F. Last evaluated: 2024-01-04. Review status: criteria provided, single submitter. Criteria: ACMG Guidelines, 2015. Collection method: clinical testing. Allele origin: germline.

GeneDx
Classification: Likely pathogenic. Last evaluated: 2024-01-03. Review status: criteria provided, single submitter. Criteria: GeneDx Variant Classification Process June 2021. Collection method: clinical testing. Allele origin: germline. Affected: yes.
Comment: Reported with a second FANCF variant on the opposite allele (in trans) in a patient with short stature, cafe-au-lait spots, mild anemia, and thrombocytopenia (PMID: 27714961); Frameshift variant predicted to result in abnormal protein length as the last 142 amino acids are replaced with 31 different amino acids; Not observed at significant frequency in large population cohorts (gnomAD); This variant is associated with the following publications: (PMID: 27714961)

Blueprint Genetics
Classification: Likely pathogenic for FANCF-related disorders. Last evaluated: 2022-03-14. Review status: criteria provided, single submitter. Criteria: ACMG Guidelines, 2015. Collection method: clinical testing. Allele origin: germline. Affected: yes. Observed: 2 variant alleles.

Literature cited by the submitters: PubMed 27714961 (cited by Labcorp Genetics (formerly Invitae), Labcorp); PubMed 15262960 (cited by Labcorp Genetics (formerly Invitae), Labcorp).